The following is an entry in ClinVar:

NM_015338.6(ASXL1):c.2474A>T (p.Lys825Ile)

Gene: ASXL1 (ASXL transcriptional regulator 1; plus strand). Cytogenetic location: 20q11.21.
Variant type: single nucleotide variant.
Coding change: c.2474A>T on transcript NM_015338.6 (MANE Select); coding-DNA position 2474, A replaced by T.
Protein change: p.Lys825Ile; replaces lysine 825 with isoleucine.
Molecular consequence: missense variant.
Genome position (GRCh38, 1-based): chr20:32,435,186, A>T. VCF-style: chr20-32435186-A-T. GRCh37 (hg19) VCF-style: chr20-31022989-A-T.
Other names: c.2291A>T, p.Lys764Ile (NM_001363734.1); short protein forms K764I, K825I.
Identifiers: ClinVar variation 3791780 (VCV003791780.1).

ClinVar aggregate classification (germline): Uncertain significance (1 of 4 stars; one submission).

Conditions:
Inborn genetic diseases. Identifiers: MedGen C0950123, MeSH D030342.

gnomAD v4.1: 3 of 1,613,910 alleles (0.00019%); highest among the groups gnomAD compares: Non-Finnish European, 0.00025%; no homozygotes.

Submission:

Ambry Genetics
Classification: Uncertain significance for Inborn genetic diseases. Last evaluated: 2024-12-29. Review status: criteria provided, single submitter. Criteria: Ambry Variant Classification Scheme 2023. Collection method: clinical testing. Allele origin: germline.
Comment: The p.K825I variant (also known as c.2474A>T), located in coding exon 13 of the ASXL1 gene, results from an A to T substitution at nucleotide position 2474. The lysine at codon 825 is replaced by isoleucine, an amino acid with dissimilar properties. This amino acid position is conserved. In addition, this alteration is predicted to be tolerated by in silico analysis. Based on the available evidence, the clinical significance of this variant remains unclear.